The following is an entry in ClinVar:

NM_001025356.3(ANO6):c.1516_1519del (p.Thr506fs)

Gene: ANO6 (anoctamin 6; plus strand). Cytogenetic location: 12q12.
Variant type: Microsatellite.
Coding change: c.1516_1519del on transcript NM_001025356.3 (MANE Select); coding-DNA positions 1516 to 1519, 4 bases deleted (ACAG; older notation c.1516_1519delACAG).
Protein change: p.Thr506fs; shifts the reading frame from threonine 506.
Molecular consequence: frameshift variant.
Genome position (GRCh38, 1-based): chr12:45,401,924-45,401,927, ACAG deleted; deleting any 4 consecutive bases within chr12:45,401,920-45,401,927 gives the same sequence; the c. name uses the placement nearest the transcript's 3' end. VCF-style (leftmost placement, unchanged base first): chr12-45401919-CACAG-C. GRCh37 (hg19) VCF-style: chr12-45795702-CACAG-C.
Other names: c.1462_1465del, p.Thr488fs (NM_001142678.2); c.1516_1519del, p.Thr506fs (NM_001142679.2); c.1579_1582del, p.Thr527fs (NM_001204803.2); c.1483_1486del, p.Thr495fs (NM_001410973.1); c.1516_1519delACAG (NM_001025356.3); short protein forms T488fs, T495fs, T506fs, T527fs.
Identifiers: ClinVar variation 4845725 (VCV004845725.1).
Genomic context (GRCh38, chr12:45,401,919, plus strand): 5'-TTTCTGCAAAACTTCCCAAGAACATTAATGGAACAGACCCAATCCAGAAATACCTGACTC[CACAG>C]ACAGCCACGTCCATCACGGCCTCCATCATCAGCTTTATAATTATCATGATTCTGAACACC-3'

ClinVar aggregate classification (germline): Likely pathogenic (1 of 4 stars; one submission).

Conditions:
SCOTT SYNDROME (SCTS). Also called: BLEEDING DISORDER, PLATELET-TYPE, 7; Platelet factor X receptor deficiency; BLEEDING ABNORMALITY DUE TO DEFICIENCY OF PLATELET BINDING OF FACTOR X; PROTHROMBIN CONSUMPTION DEFICIENCY; PROTHROMBIN CONSUMPTION INHIBITOR, FAMILIAL; PROTHROMBIN CONVERSION DEFECT, FAMILIAL. Identifiers: Orphanet 806, MedGen C0796149, MONDO:0009885, OMIM 262890.

Submission:

First Genomix Gene Laboratory, Genetic Diagnostics Department
Classification: Likely pathogenic for SCOTT SYNDROME. Last evaluated: 2025-01-22. Review status: criteria provided, single submitter. Criteria: ACMG Guidelines, 2015. Collection method: clinical testing. Allele origin: germline. Inheritance: Autosomal recessive inheritance. Affected: no. Observed: 1 variant allele.